The following is an entry in ClinVar:

NM_018341.3(ERMARD):c.796T>C (p.Phe266Leu)

Gene: ERMARD (ER membrane associated RNA degradation; plus strand). Cytogenetic location: 6q27.
Variant type: single nucleotide variant.
Coding change: c.796T>C on transcript NM_018341.3 (MANE Select); coding-DNA position 796, T replaced by C.
Protein change: p.Phe266Leu; replaces phenylalanine 266 with leucine.
Molecular consequence: missense variant.
Genome position (GRCh38, 1-based): chr6:169,760,695, T>C. VCF-style: chr6-169760695-T-C. GRCh37 (hg19) VCF-style: chr6-170160791-T-C.
Other names: c.796T>C, p.Phe266Leu (NM_001278531.2, NM_001278533.2); c.418T>C, p.Phe140Leu (NM_001278532.2, NM_001410957.1); short protein forms F140L, F266L.
Identifiers: ClinVar variation 3021970 (VCV003021970.3), dbSNP rs2537441589, ClinGen allele CA366498939.
Genomic context (GRCh38, chr6:169,760,695, plus strand): 5'-TTTACAGATGTTACTTATGAGGTGCTTTCAGTATTAGAAGAAGTGATGATGAAATCTGCT[T>C]TTATATTAAAAATCATGTTACCATATTGGGAAGTTGCACTGGTCAAGTTCAAGTCACACA-3'
Protein context (NP_060811.1, residues 256-276): VLEEVMMKSA[Phe266Leu]ILKIMLPYWE

ClinVar aggregate classification (germline): Uncertain significance (1 of 4 stars; one submission).

Submission:

Labcorp Genetics (formerly Invitae), Labcorp
Classification: Uncertain significance. Last evaluated: 2023-12-04. Review status: criteria provided, single submitter. Criteria: Invitae Variant Classification Sherloc (09022015). Collection method: clinical testing. Allele origin: germline.
Comment: This sequence change replaces phenylalanine, which is neutral and non-polar, with leucine, which is neutral and non-polar, at codon 266 of the ERMARD protein (p.Phe266Leu). This variant is not present in population databases (gnomAD no frequency). This variant has not been reported in the literature in individuals affected with ERMARD-related conditions. Advanced modeling of protein sequence and biophysical properties (such as structural, functional, and spatial information, amino acid conservation, physicochemical variation, residue mobility, and thermodynamic stability) performed at Invitae indicates that this missense variant is expected to disrupt ERMARD protein function with a positive predictive value of 80%. In summary, the available evidence is currently insufficient to determine the role of this variant in disease. Therefore, it has been classified as a Variant of Uncertain Significance.